The following is an entry in ClinVar:

NM_001160148.2(DDHD1):c.1713G>T (p.Trp571Cys)

Gene: DDHD1 (DDHD domain containing 1; minus strand). Cytogenetic location: 14q22.1.
Variant type: single nucleotide variant.
Coding change: c.1713G>T on transcript NM_001160148.2 (MANE Select); coding-DNA position 1713, G replaced by T.
Protein change: p.Trp571Cys; replaces tryptophan 571 with cysteine.
Molecular consequence: missense variant.
Genome position (GRCh38, 1-based): chr14:53,062,996, C>A on the plus strand (G>T on the coding strand, the complement: DDHD1 is on the minus strand). VCF-style: chr14-53062996-C-A. GRCh37 (hg19) VCF-style: chr14-53529714-C-A.
Other names: c.1734G>T, p.Trp578Cys (NM_001160147.2); c.1713G>T, p.Trp571Cys (NM_030637.3); short protein forms W571C, W578C.
Identifiers: ClinVar variation 1163948 (VCV001163948.10), dbSNP rs1402569521, ClinGen allele CA389762647.
Genomic context (GRCh38, chr14:53,062,996, plus strand): 5'-ATTTTACCGTCGTTTAGTTATATAGAGTTCATCAAGAAGATGTCGTTCTTCATAGCTCAT[C>A]CATCGTTCATCAGGCAACTCTTCTTCCTTTTGCAGCAACTGTTCATACAGCCGAACTGGA-3'
Protein context (NP_001153620.1, residues 561-581): QKEEELPDER[Trp571Cys]MSYEERHLLD

ClinVar aggregate classification (germline): Uncertain significance. Review status: criteria provided, multiple submitters, no conflicts (2 of 4 stars). 2 submissions from 2 submitters: Uncertain significance (2). Last evaluated 2022-02-22.

Conditions:
Hereditary spastic paraplegia 28. Also called: Spastic paraplegia 28, autosomal recessive. Identifiers: Orphanet 101008, MedGen C1836295, MONDO:0012256, OMIM 609340.

Allele frequency attached by ClinVar (database versions not stated): gnomAD 0.00001; gnomAD exomes 0.00001; TOPMed 0.00001.
gnomAD v4.1: 7 of 1,610,138 alleles (0.00043%); highest among the groups gnomAD compares: Non-Finnish European, 0.00051%; no homozygotes.

Submissions (2):

Labcorp Genetics (formerly Invitae), Labcorp
Classification: Uncertain significance for Hereditary spastic paraplegia 28. Last evaluated: 2022-02-22. Review status: criteria provided, single submitter. Criteria: Invitae Variant Classification Sherloc (09022015). Collection method: clinical testing. Allele origin: germline.
Comment: In summary, the available evidence is currently insufficient to determine the role of this variant in disease. Therefore, it has been classified as a Variant of Uncertain Significance. Algorithms developed to predict the effect of missense changes on protein structure and function are either unavailable or do not agree on the potential impact of this missense change (SIFT: "Tolerated"; PolyPhen-2: "Probably Damaging"; Align-GVGD: "Class C0"). ClinVar contains an entry for this variant (Variation ID: 1163948). This variant has not been reported in the literature in individuals affected with DDHD1-related conditions. This variant is present in population databases (no rsID available, gnomAD 0.002%). This sequence change replaces tryptophan, which is neutral and slightly polar, with cysteine, which is neutral and slightly polar, at codon 578 of the DDHD1 protein (p.Trp578Cys).

Mayo Clinic Laboratories, Mayo Clinic
Classification: Uncertain significance. Last evaluated: 2020-03-17. Review status: criteria provided, single submitter. Criteria: ACMG Guidelines, 2015. Collection method: clinical testing. Allele origin: germline. Observed: 1 variant allele.